The following is an entry in ClinVar:

NM_001371596.2(MFSD8):c.153A>G (p.Val51=)

Gene: MFSD8 (major facilitator superfamily domain containing 8; minus strand). Cytogenetic location: 4q28.2.
Variant type: single nucleotide variant.
Coding change: c.153A>G on transcript NM_001371596.2 (MANE Select); coding-DNA position 153, A replaced by G.
Protein change: p.Val51=; no amino-acid change (valine 51 retained).
Molecular consequence: synonymous variant.
Genome position (GRCh38, 1-based): chr4:127,957,502, T>C on the plus strand (A>G on the coding strand, the complement: MFSD8 is on the minus strand). VCF-style: chr4-127957502-T-C. GRCh37 (hg19) VCF-style: chr4-128878657-T-C.
Other names: p.V51V:GTA>GTG; c.153A>G, p.Val51= (NM_001363520.3, NM_001363521.3, NM_001371591.2 and 5 more transcripts); c.18A>G, p.Val6= (NM_001371590.2, NM_001371595.1, NM_001410765.1).
Identifiers: ClinVar variation 138228 (VCV000138228.5), dbSNP rs587781037, ClinGen allele CA292096.

ClinVar aggregate classification (germline): Conflicting classifications of pathogenicity. Review status: criteria provided, conflicting classifications (1 of 4 stars). 2 submissions from 2 submitters: Uncertain significance (1); Benign (1). Last evaluated 2021-01-12.

Conditions:
Neuronal ceroid lipofuscinosis 7 (CLN7). Also called: MFSD8-Related Neuronal Ceroid-Lipofuscinosis. Identifiers: Orphanet 168491, Orphanet 228366, MedGen C1838571, MONDO:0012588, OMIM 610951.

Allele frequency attached by ClinVar (database versions not stated): TOPMed 0.00001.
gnomAD v4.1: 15 of 1,591,936 alleles (0.00094%); highest among the groups gnomAD compares: Non-Finnish European, 0.0013%; no homozygotes.

Submissions (2):

Labcorp Genetics (formerly Invitae), Labcorp
Classification: Uncertain significance for Neuronal ceroid lipofuscinosis 7. Last evaluated: 2021-01-12. Review status: criteria provided, single submitter. Criteria: Invitae Variant Classification Sherloc (09022015). Collection method: clinical testing. Allele origin: germline.
Comment: This sequence change affects codon 51 of the MFSD8 mRNA. It is a 'silent' change, meaning that it does not change the encoded amino acid sequence of the MFSD8 protein. This variant is not present in population databases (ExAC no frequency). This variant has not been reported in the literature in individuals with MFSD8-related conditions. ClinVar contains an entry for this variant (Variation ID: 138228). Algorithms developed to predict the effect of sequence changes on RNA splicing suggest that this variant is not likely to affect RNA splicing, but this prediction has not been confirmed by published transcriptional studies. In summary, the available evidence is currently insufficient to determine the role of this variant in disease. Therefore, it has been classified as a Variant of Uncertain Significance.

GeneDx
Classification: Benign. Last evaluated: 2014-05-19. Review status: criteria provided, single submitter. Criteria: GeneDx Variant Classification (06012015). Collection method: clinical testing. Allele origin: germline. Affected: yes.
Comment: This variant is considered likely benign or benign based on one or more of the following criteria: it is a conservative change, it occurs at a poorly conserved position in the protein, it is predicted to be benign by multiple in silico algorithms, and/or has population frequency not consistent with disease.